The following is an entry in ClinVar:

NM_000552.5(VWF):c.5783C>G (p.Pro1928Arg)

Gene: VWF (von Willebrand factor; minus strand). Cytogenetic location: 12p13.31.
Variant type: single nucleotide variant.
Coding change: c.5783C>G on transcript NM_000552.5 (MANE Select); coding-DNA position 5783, C replaced by G.
Protein change: p.Pro1928Arg; replaces proline 1928 with arginine.
Molecular consequence: missense variant.
Genome position (GRCh38, 1-based): chr12:6,011,676, G>C on the plus strand (C>G on the coding strand, the complement: VWF is on the minus strand). VCF-style: chr12-6011676-G-C. GRCh37 (hg19) VCF-style: chr12-6120842-G-C.
Other names: short protein forms P1928R.
Identifiers: ClinVar variation 4533015 (VCV004533015.1).
Genomic context (GRCh38, chr12:6,011,676, plus strand): 5'-CAGGGGCAGGTCCAGCGGCAGCCACAGGTCTCTTCCACTTTAACAGGGGACTGGCTGTTA[G>C]GGCACGAAGGCCTCAGCCCCCGGTCACAGTTGACCCGATGACTCTTCAGCAAGGTCTGGC-3'
Protein context (NP_000543.3, residues 1918-1938): NCDRGLRPSC[Pro1928Arg]NSQSPVKVEE

ClinVar aggregate classification (germline): Uncertain significance (1 of 4 stars; one submission).

gnomAD v4.1: 166 of 1,613,802 alleles (0.01%); highest among the groups gnomAD compares: South Asian, 0.17%; 4 homozygotes.

Submission:

Quest Diagnostics Nichols Institute San Juan Capistrano
Classification: Uncertain significance. Last evaluated: 2025-11-07. Review status: criteria provided, single submitter. Criteria: Quest Diagnostics criteria. Collection method: clinical testing. Allele origin: unknown.
Comment: The VWF c.5783C>G (p.Pro1928Arg) variant has not been reported in individuals with VWF-related conditions in the published literature. The frequency of this variant in the general population (Genome Aggregation Database) is uninformative in the assessment of its pathogenicity. Analysis of this variant using bioinformatics tools for the prediction of the effect of amino acid changes on protein structure and function yielded predictions that this variant is benign. Based on the available information, we are unable to determine the clinical significance of this variant.